The following is an entry in ClinVar:

ClinVar aggregate classification (germline): Uncertain significance. Review status: criteria provided, multiple submitters, no conflicts (2 of 4 stars). 2 submissions from 2 submitters: Uncertain significance (2). Last evaluated 2025-12-18.

Conditions:
Colorectal cancer, hereditary nonpolyposis, type 7. Identifiers: Orphanet 144, MedGen C1858380, MONDO:0013725, OMIM 614385.

Allele frequency attached by ClinVar (database versions not stated): gnomAD 0.00001; TOPMed 0.00001.
gnomAD v4.1: 1 of 1,614,102 alleles (0.000062%); highest among the groups gnomAD compares: African/African-American, 0.0013%; no homozygotes.

Submissions (2):

Ambry Genetics
Classification: Uncertain significance. Last evaluated: 2025-12-18. Review status: criteria provided, single submitter. Criteria: Ambry Variant Classification Scheme 2023. Collection method: clinical testing. Allele origin: germline.
Comment: The p.D1043H variant (also known as c.3127G>C), located in coding exon 1 of the MLH3 gene, results from a G to C substitution at nucleotide position 3127. The aspartic acid at codon 1043 is replaced by histidine, an amino acid with similar properties. This amino acid position is not well conserved in available vertebrate species. In addition, this alteration is predicted to be tolerated by in silico analysis. Since supporting evidence is limited at this time, the clinical significance of this alteration remains unclear.

Labcorp Genetics (formerly Invitae), Labcorp
Classification: Uncertain significance for Colorectal cancer, hereditary nonpolyposis, type 7. Last evaluated: 2024-07-06. Review status: criteria provided, single submitter. Criteria: Invitae Variant Classification Sherloc (09022015). Collection method: clinical testing. Allele origin: germline.
Comment: This sequence change replaces aspartic acid, which is acidic and polar, with histidine, which is basic and polar, at codon 1043 of the MLH3 protein (p.Asp1043His). This variant is not present in population databases (gnomAD no frequency). This variant has not been reported in the literature in individuals affected with MLH3-related conditions. ClinVar contains an entry for this variant (Variation ID: 1727909). An algorithm developed to predict the effect of missense changes on protein structure and function (PolyPhen-2) suggests that this variant is likely to be disruptive. In summary, the available evidence is currently insufficient to determine the role of this variant in disease. Therefore, it has been classified as a Variant of Uncertain Significance.

NM_001040108.2(MLH3):c.3127G>C (p.Asp1043His)

Gene: MLH3 (mutL homolog 3; minus strand). Cytogenetic location: 14q24.3.
Variant type: single nucleotide variant.
Coding change: c.3127G>C on transcript NM_001040108.2 (MANE Select); coding-DNA position 3127, G replaced by C.
Protein change: p.Asp1043His; replaces aspartic acid 1043 with histidine.
Molecular consequence: missense variant.
Genome position (GRCh38, 1-based): chr14:75,046,529, C>G on the plus strand (G>C on the coding strand, the complement: MLH3 is on the minus strand). VCF-style: chr14-75046529-C-G. GRCh37 (hg19) VCF-style: chr14-75513232-C-G.
Other names: c.3127G>C, p.Asp1043His (NM_014381.3); short protein forms D1043H.
Identifiers: ClinVar variation 1727909 (VCV001727909.5), dbSNP rs1892235431, ClinGen allele CA390436072.